The following is an entry in ClinVar:

NM_139285.4(GAS2L2):c.1221C>A (p.Tyr407Ter)

Gene: GAS2L2 (growth arrest specific 2 like 2; minus strand). Cytogenetic location: 17q12.
Variant type: single nucleotide variant.
Coding change: c.1221C>A on transcript NM_139285.4 (MANE Select); coding-DNA position 1221, C replaced by A.
Protein change: p.Tyr407Ter; replaces tyrosine 407 with a stop codon.
Molecular consequence: nonsense.
Genome position (GRCh38, 1-based): chr17:35,746,276, G>T on the plus strand (C>A on the coding strand, the complement: GAS2L2 is on the minus strand). VCF-style: chr17-35746276-G-T. GRCh37 (hg19) VCF-style: chr17-34073295-G-T.
Other names: short protein forms Y407*.
Identifiers: ClinVar variation 3339016 (VCV003339016.3).

ClinVar aggregate classification (germline): Uncertain significance. Review status: criteria provided, multiple submitters, no conflicts (2 of 4 stars). 2 submissions from 2 submitters: Uncertain significance (2). Last evaluated 2025-11-03.

Submissions (2):

Women's Health and Genetics/Laboratory Corporation of America, LabCorp
Classification: Uncertain significance. Last evaluated: 2025-11-03. Review status: criteria provided, single submitter. Criteria: LabCorp Variant Classification Summary - May 2015. Collection method: clinical testing. Allele origin: germline.
Comment: Variant summary: GAS2L2 c.1221C>A (p.Tyr407X) results in a premature termination codon, predicted to cause a truncation of the encoded protein or absence of the protein due to nonsense mediated decay, however current evidence is not sufficient to establish loss of function as a mechanism for disease. The variant allele was found at a frequency of 3.6e-05 in 165912 control chromosomes. The available data on variant occurrences in the general population are insufficient to allow any conclusion about variant significance. To our knowledge, no occurrence of c.1221C>A in individuals affected with GAS2L2-related conditions and no experimental evidence demonstrating its impact on protein function have been reported. ClinVar contains an entry for this variant (Variation ID: 3339016). Based on the evidence outlined above, the variant was classified as uncertain significance.

Blueprint Genetics
Classification: Uncertain significance. Last evaluated: 2024-11-26. Review status: criteria provided, single submitter. Criteria: ACMG Guidelines, 2015. Collection method: clinical testing. Allele origin: germline.